The following is an entry in ClinVar:

ClinVar aggregate classification (germline): Uncertain significance. Review status: criteria provided, multiple submitters, no conflicts (2 of 4 stars). 2 submissions from 2 submitters: Uncertain significance (2). Last evaluated 2024-12-25.

Conditions:
Inborn genetic diseases. Identifiers: MedGen C0950123, MeSH D030342.
Neurodevelopmental disorder with microcephaly, seizures, and cortical atrophy. Identifiers: MedGen C4540493, MONDO:0060621, OMIM 617802.

gnomAD v4.1: 9 of 1,612,900 alleles (0.00056%); highest among the groups gnomAD compares: South Asian, 0.0011%; no homozygotes.

Submissions (2):

Ambry Genetics
Classification: Uncertain significance for Inborn genetic diseases. Last evaluated: 2024-12-25. Review status: criteria provided, single submitter. Criteria: Ambry Variant Classification Scheme 2023. Collection method: clinical testing. Allele origin: germline.

Juno Genomics, Hangzhou Juno Genomics, Inc
Classification: Uncertain significance for Neurodevelopmental disorder with microcephaly, seizures, and cortical atrophy. Review status: criteria provided, single submitter. Criteria: ACMG Guidelines, 2015. Collection method: clinical testing. Allele origin: germline.
Comment: Absent from controls (or at extremely low frequency if recessive) in Genome Aggregation Database.;Missense variant in a gene that has a low rate of benign missense variation.

NM_006295.3(VARS1):c.3229C>T (p.Arg1077Trp)

Gene: VARS1 (valyl-tRNA synthetase 1; minus strand). Cytogenetic location: 6p21.33.
Variant type: single nucleotide variant.
Coding change: c.3229C>T on transcript NM_006295.3 (MANE Select); coding-DNA position 3229, C replaced by T.
Protein change: p.Arg1077Trp; replaces arginine 1077 with tryptophan.
Molecular consequence: missense variant.
Genome position (GRCh38, 1-based): chr6:31,779,667, G>A on the plus strand (C>T on the coding strand, the complement: VARS1 is on the minus strand). VCF-style: chr6-31779667-G-A. GRCh37 (hg19) VCF-style: chr6-31747444-G-A.
Other names: short protein forms R1077W.
Identifiers: ClinVar variation 3814717 (VCV003814717.3).